The following is an entry in ClinVar:

NM_000719.7(CACNA1C):c.2615T>G (p.Val872Gly)

Gene: CACNA1C (calcium voltage-gated channel subunit alpha1 C; plus strand). Cytogenetic location: 12p13.33.
Variant type: single nucleotide variant.
Coding change: c.2615T>G on transcript NM_000719.7 (MANE Select); coding-DNA position 2615, T replaced by G.
Protein change: p.Val872Gly; replaces valine 872 with glycine.
Molecular consequence: missense variant.
Genome position (GRCh38, 1-based): chr12:2,593,297, T>G. VCF-style: chr12-2593297-T-G. GRCh37 (hg19) VCF-style: chr12-2702463-T-G.
Other names: c.2615T>G, p.Val872Gly (NM_001167624.3, NM_001167625.2, NM_199460.4 and 18 more transcripts); c.2606T>G, p.Val869Gly (NM_001129844.2); short protein forms V869G, V872G.
Identifiers: ClinVar variation 4087799 (VCV004087799.1).

ClinVar aggregate classification (germline): Uncertain significance (1 of 4 stars; one submission).

Submission:

GeneDx
Classification: Uncertain significance. Last evaluated: 2025-03-24. Review status: criteria provided, single submitter. Criteria: GeneDx Variant Classification Process June 2021. Collection method: clinical testing. Allele origin: germline. Affected: yes.
Comment: Not observed at significant frequency in large population cohorts (gnomAD); In silico analysis supports that this missense variant has a deleterious effect on protein structure/function; Has not been previously published as pathogenic or benign to our knowledge